The following is an entry in ClinVar:

ClinVar aggregate classification (germline): Uncertain significance (1 of 4 stars; one submission).

Conditions:
TP63-Related Spectrum Disorders.

Submission:

Labcorp Genetics (formerly Invitae), Labcorp
Classification: Uncertain significance. Last evaluated: 2019-02-10. Review status: criteria provided, single submitter. Criteria: Invitae Variant Classification Sherloc (09022015). Collection method: clinical testing. Allele origin: germline.
Comment: In summary, the available evidence is currently insufficient to determine the role of this variant in disease. Therefore, it has been classified as a Variant of Uncertain Significance. This variant disrupts the p.Ser311, also known as p.Ser272, amino acid residue in TP63. Other variant(s) that disrupt this residue have been observed in individuals with TP63-related conditions (PMID:¬†10535733,¬†21959367), which suggests that this may be a clinically significant amino acid residue. This variant has not been reported in the literature in individuals with TP63-related conditions. This variant is not present in population databases (ExAC no frequency). This variant, c.930_932del, results in the deletion of 1 amino acid(s) of the TP63 protein (p.Ser311del), but otherwise preserves the integrity of the reading frame.

NM_003722.5(TP63):c.927CAG[1] (p.Ser311del)

Gene: TP63 (tumor protein p63; plus strand). Cytogenetic location: 3q28.
Variant type: Microsatellite.
Coding change: c.927CAG[1] on transcript NM_003722.5 (MANE Select); one copy of the 3-base unit CAG starting at c.927; the reference has two copies in a row; one copy, 3 bases deleted.
Protein change: p.Ser311del; deletes serine 311.
Molecular consequence: inframe deletion.
Genome position (GRCh38, 1-based): chr3:189,867,880-189,867,882, CAG deleted; deleting any 3 consecutive bases within chr3:189,867,877-189,867,882 gives the same sequence; the position shown is the placement nearest the transcript's 3' end. VCF-style (leftmost placement, unchanged base first): chr3-189867876-ACAG-A. GRCh37 (hg19) VCF-style: chr3-189585665-ACAG-A.
Other names: c.645CAG[1], p.Ser217del (NM_001329145.2, NM_001329149.2, NM_001114980.2 and 2 more transcripts); c.390CAG[1], p.Ser132del (NM_001329146.2, NM_001329150.2); c.927CAG[1], p.Ser311del (NM_001329148.2, NM_001114978.2, NM_001114979.2 and 1 more transcripts); c.921CAG[1], p.Ser309del (NM_001329964.2); short protein forms S217del, S311del, S132del, S309del.
Identifiers: ClinVar variation 649683 (VCV000649683.6), dbSNP rs1577145611, ClinGen allele CA915943007.
Genomic context (GRCh38, chr3:189,867,876, plus strand): 5'-TTACCCCTTGTTTTCAGGTTGGCACTGAATTCACGACAGTCTTGTACAATTTCATGTGTA[ACAG>A]CAGTTGTGTTGGAGGGATGAACCGCCGTCCAATTTTAATCATTGTTACTCTGGAAACCAG-3'